The following is an entry in ClinVar:

NM_001267550.2(TTN):c.102458T>A (p.Val34153Asp)

Genes: TTN (titin; minus strand), TTN-AS1 (TTN antisense RNA 1; plus strand). Cytogenetic location: 2q31.2.
Variant type: single nucleotide variant.
Coding change: c.102458T>A on transcript NM_001267550.2 (MANE Select); coding-DNA position 102458, T replaced by A.
Protein change: p.Val34153Asp; replaces valine 34153 with aspartic acid.
Molecular consequence: missense variant.
Genome position (GRCh38, 1-based): chr2:178,534,157, A>T on the plus strand (T>A on the coding strand, the complement: TTN is on the minus strand). VCF-style: chr2-178534157-A-T. GRCh37 (hg19) VCF-style: chr2-179398884-A-T.
Other names: c.97535T>A, p.Val32512Asp (NM_001256850.1); c.75263T>A, p.Val25088Asp (NM_003319.4); c.94754T>A, p.Val31585Asp (NM_133378.4); c.75638T>A, p.Val25213Asp (NM_133432.3); c.75839T>A, p.Val25280Asp (NM_133437.4); short protein forms V25088D, V32512D, V34153D, V25280D, V25213D, V31585D.
Identifiers: ClinVar variation 1505592 (VCV001505592.6), dbSNP rs2154135691, ClinGen allele CA349417496.
Genomic context (GRCh38, chr2:178,534,157, plus strand): 5'-CCAAAGTACCAAGTCACTTGGGTAGACTGATCATAATTTTCAATTTTGCATACATATTTG[A>T]CATGTCCTCCTTCTTCACCAACTGCATGCATTATCTGCCCAGAAACTGGGCCAATTTCAA-3'
Protein context (NP_001254479.2, residues 34143-34163): MHAVGEEGGH[Val34153Asp]KYVCKIENYD

ClinVar aggregate classification (germline): Uncertain significance (1 of 4 stars; one submission).

Conditions:
Dilated cardiomyopathy 1G (CMD1G). Identifiers: Orphanet 154, MedGen C1858763, MONDO:0011400, OMIM 604145.
Autosomal recessive limb-girdle muscular dystrophy type 2J (LGMDR10). Also called: MUSCULAR DYSTROPHY, LIMB-GIRDLE, AUTOSOMAL RECESSIVE 10; Limb-girdle muscular dystrophy, type 2J. Identifiers: Orphanet 140922, MedGen C1837342, MONDO:0012127, OMIM 608807.

Submission:

Labcorp Genetics (formerly Invitae), Labcorp
Classification: Uncertain significance for Dilated cardiomyopathy 1G; Autosomal recessive limb-girdle muscular dystrophy type 2J. Last evaluated: 2025-03-04. Review status: criteria provided, single submitter. Criteria: Invitae Variant Classification Sherloc (09022015). Collection method: clinical testing. Allele origin: germline.
Comment: This sequence change replaces valine, which is neutral and non-polar, with aspartic acid, which is acidic and polar, at codon 34153 of the TTN protein (p.Val34153Asp). This variant is not present in population databases (gnomAD no frequency). This variant has not been reported in the literature in individuals affected with TTN-related conditions. ClinVar contains an entry for this variant (Variation ID: 1505592). Experimental studies and prediction algorithms are not available or were not evaluated, and the functional significance of this variant is currently unknown. In summary, the available evidence is currently insufficient to determine the role of this variant in disease. Therefore, it has been classified as a Variant of Uncertain Significance.